The following is an entry in ClinVar:

ClinVar aggregate classification (germline): Uncertain significance (1 of 4 stars; one submission).

Conditions:
Cardiovascular phenotype. Identifiers: MedGen CN230736.

Allele frequency attached by ClinVar (database versions not stated): gnomAD exomes below 0.00001; TOPMed 0.00001; gnomAD 0.00003.

Submission:

Ambry Genetics
Classification: Uncertain significance for Cardiovascular phenotype. Last evaluated: 2025-04-20. Review status: criteria provided, single submitter. Criteria: Ambry Variant Classification Scheme 2023. Collection method: clinical testing. Allele origin: germline.
Comment: The p.E256V variant (also known as c.767A>T), located in coding exon 3 of the APOE gene, results from an A to T substitution at nucleotide position 767. The glutamic acid at codon 256 is replaced by valine, an amino acid with dissimilar properties. This amino acid position is conserved. In addition, this alteration is predicted to be tolerated by in silico analysis. Since supporting evidence is limited at this time, the clinical significance of this alteration remains unclear.

NM_000041.4(APOE):c.767A>T (p.Glu256Val)

Gene: APOE (apolipoprotein E; plus strand). Cytogenetic location: 19q13.32.
Variant type: single nucleotide variant.
Coding change: c.767A>T on transcript NM_000041.4 (MANE Select); coding-DNA position 767, A replaced by T.
Protein change: p.Glu256Val; replaces glutamic acid 256 with valine.
Molecular consequence: missense variant.
Genome position (GRCh38, 1-based): chr19:44,909,063, A>T. VCF-style: chr19-44909063-A-T. GRCh37 (hg19) VCF-style: chr19-45412320-A-T.
Other names: c.845A>T, p.Glu282Val (NM_001302688.2); c.767A>T, p.Glu256Val (NM_001302689.2, NM_001302690.2, NM_001302691.2); short protein forms E256V, E282V.
Identifiers: ClinVar variation 1760098 (VCV001760098.3), dbSNP rs1197351070, ClinGen allele CA406305114.
Genomic context (GRCh38, chr19:44,909,063, plus strand): 5'-TGGAGGAGATGGGCAGCCGGACCCGCGACCGCCTGGACGAGGTGAAGGAGCAGGTGGCGG[A>T]GGTGCGCGCCAAGCTGGAGGAGCAGGCCCAGCAGATACGCCTGCAGGCCGAGGCCTTCCA-3'
Protein context (NP_000032.1, residues 246-266): RLDEVKEQVA[Glu256Val]VRAKLEEQAQ